The following is an entry in ClinVar:

NM_017617.5(NOTCH1):c.4308C>T (p.Ala1436=)

Gene: NOTCH1 (notch receptor 1; minus strand). Cytogenetic location: 9q34.3.
Variant type: single nucleotide variant.
Coding change: c.4308C>T on transcript NM_017617.5 (MANE Select); coding-DNA position 4308, C replaced by T.
Protein change: p.Ala1436=; no amino-acid change (alanine 1436 retained).
Molecular consequence: synonymous variant.
Genome position (GRCh38, 1-based): chr9:136,505,588, G>A on the plus strand (C>T on the coding strand, the complement: NOTCH1 is on the minus strand). VCF-style: chr9-136505588-G-A. GRCh37 (hg19) VCF-style: chr9-139400040-G-A.
Identifiers: ClinVar variation 1567976 (VCV001567976.34), dbSNP rs749702298, ClinGen allele CA5340651.
Genomic context (GRCh38, chr9:136,505,588, plus strand): 5'-CTCCTGGCACTCGGGCAGCTCGCACGCCTCCTCGATCAGCGGCGGGGGGATGTCGCGCCC[G>A]GCCCCACCCCCGAAGCTGTAGTCCAGGATGTGGCACAAGAGCCCGTTGAATTTGGCGGGG-3'
Protein context (NP_060087.3, residues 1426-1446): HILDYSFGGG[Ala1436=]GRDIPPPLIE

ClinVar aggregate classification (germline): Likely benign. Review status: criteria provided, multiple submitters, no conflicts (2 of 4 stars). 4 submissions from 4 submitters: Likely benign (4). Last evaluated 2025-10-05.

Conditions:
Adams-Oliver syndrome 5 (AOS5). Identifiers: Orphanet 974, MedGen C4014970, MONDO:0014459, OMIM 616028.
Familial thoracic aortic aneurysm and aortic dissection (TAAD). Also called: Thoracic aortic aneurysms and dissections. Identifiers: Orphanet 91387, MedGen C4707243, MONDO:0019625.

Allele frequency attached by ClinVar (database versions not stated): gnomAD 0.00002 and 0.00003; TOPMed 0.00002; ExAC 0.00005; gnomAD exomes 0.00005 and 0.00010.
gnomAD v4.1: 88 of 1,609,796 alleles (0.0055%); highest among the groups gnomAD compares: Middle Eastern, 0.066%; 1 homozygote.

Submissions (4):

Labcorp Genetics (formerly Invitae), Labcorp
Classification: Likely benign for Adams-Oliver syndrome 5. Last evaluated: 2025-10-05. Review status: criteria provided, single submitter. Criteria: Invitae Variant Classification Sherloc (09022015). Collection method: clinical testing. Allele origin: germline.

Blueprint Genetics
Classification: Likely benign. Last evaluated: 2024-06-10. Review status: criteria provided, single submitter. Criteria: ACMG Guidelines, 2015. Collection method: clinical testing. Allele origin: germline.

CeGaT Center for Human Genetics Tuebingen
Classification: Likely benign. Last evaluated: 2022-03-01. Review status: criteria provided, single submitter. Criteria: CeGaT Center For Human Genetics Tuebingen Variant Classification Criteria Version 2. Collection method: clinical testing. Allele origin: germline. Affected: yes. Observed: 1 variant allele.
Comment: NOTCH1: BP4, BP7

Ambry Genetics
Classification: Likely benign for Familial thoracic aortic aneurysm and aortic dissection. Last evaluated: 2019-11-14. Review status: criteria provided, single submitter. Criteria: Ambry Variant Classification Scheme 2023. Collection method: clinical testing. Allele origin: germline.